The following is an entry in ClinVar:

ClinVar aggregate classification (germline): Uncertain significance (1 of 4 stars; one submission).

Submission:

GeneDx
Classification: Uncertain significance. Last evaluated: 2024-10-28. Review status: criteria provided, single submitter. Criteria: GeneDx Variant Classification Process June 2021. Collection method: clinical testing. Allele origin: germline. Affected: yes.
Comment: Has not been previously published as pathogenic or benign to our knowledge; Not observed at significant frequency in large population cohorts (gnomAD); In silico analysis indicates that this missense variant does not alter protein structure/function

NM_001367624.2(ZNF469):c.1399C>A (p.Gln467Lys)

Gene: ZNF469 (zinc finger protein 469; plus strand). Cytogenetic location: 16q24.2.
Variant type: single nucleotide variant.
Coding change: c.1399C>A on transcript NM_001367624.2 (MANE Select); coding-DNA position 1399, C replaced by A.
Protein change: p.Gln467Lys; replaces glutamine 467 with lysine.
Molecular consequence: missense variant.
Genome position (GRCh38, 1-based): chr16:88,428,869, C>A. VCF-style: chr16-88428869-C-A. GRCh37 (hg19) VCF-style: chr16-88495277-C-A.
Other names: NM_001127464.1:c.1399C>A; short protein forms Q467K.
Identifiers: ClinVar variation 3893581 (VCV003893581.1).
Genomic context (GRCh38, chr16:88,428,869, plus strand): 5'-CCTTACCCCACACCTCCTGGGGGCCCCCTGGCTGCCACCAGGAGTATGTTCTTTAACGGC[C>A]AGCCCAGCCCAGGCCAGCGGCTCTGCCTCCCCCAGAGTGCCCCCCTGCCTTGGCCCCAAG-3'
Protein context (NP_001354553.1, residues 457-477): AATRSMFFNG[Gln467Lys]PSPGQRLCLP